The following is an entry in ClinVar:

NM_000256.3(MYBPC3):c.1467C>G (p.Asp489Glu)

Gene: MYBPC3 (myosin binding protein C3; minus strand). Cytogenetic location: 11p11.2.
Variant type: single nucleotide variant.
Coding change: c.1467C>G on transcript NM_000256.3 (MANE Select); coding-DNA position 1467, C replaced by G.
Protein change: p.Asp489Glu; replaces aspartic acid 489 with glutamic acid.
Molecular consequence: missense variant.
Genome position (GRCh38, 1-based): chr11:47,342,735, G>C on the plus strand (C>G on the coding strand, the complement: MYBPC3 is on the minus strand). VCF-style: chr11-47342735-G-C. GRCh37 (hg19) VCF-style: chr11-47364286-G-C.
Other names: short protein forms D489E.
Identifiers: ClinVar variation 1329380 (VCV001329380.4), dbSNP rs35690719, ClinGen allele CA010409.

ClinVar aggregate classification (germline): Uncertain significance. Review status: criteria provided, multiple submitters, no conflicts (2 of 4 stars). 3 submissions from 3 submitters: Uncertain significance (3). Last evaluated 2025-08-13.

Conditions:
Hypertrophic cardiomyopathy. Also called: HYPERTROPHIC MYOCARDIOPATHY. Identifiers: Orphanet 217569, MedGen C0007194, MeSH D002312, MONDO:0005045, HP:0001639.
Cardiomyopathy (CMYO). Also called: Cardiomyopathies. Identifiers: Orphanet 167848, MedGen C0878544, MONDO:0004994, HP:0001638. Inheritance: Various modes of inheritance.

gnomAD v4.1: 2 of 1,613,928 alleles (0.00012%); highest among the groups gnomAD compares: Non-Finnish European, 0.00017%; no homozygotes.

Submissions (3):

Labcorp Genetics (formerly Invitae), Labcorp
Classification: Uncertain significance for Hypertrophic cardiomyopathy. Last evaluated: 2025-08-13. Review status: criteria provided, single submitter. Criteria: Invitae Variant Classification Sherloc (09022015). Collection method: clinical testing. Allele origin: germline.
Comment: This sequence change replaces aspartic acid, which is acidic and polar, with glutamic acid, which is acidic and polar, at codon 489 of the MYBPC3 protein (p.Asp489Glu). This variant is not present in population databases (gnomAD no frequency). This variant has not been reported in the literature in individuals affected with MYBPC3-related conditions. ClinVar contains an entry for this variant (Variation ID: 1329380). An algorithm developed to predict the effect of missense changes on protein structure and function (PolyPhen-2) suggests that this variant is likely to be disruptive. In summary, the available evidence is currently insufficient to determine the role of this variant in disease. Therefore, it has been classified as a Variant of Uncertain Significance.

Blueprint Genetics
Classification: Uncertain significance. Last evaluated: 2023-09-21. Review status: criteria provided, single submitter. Criteria: ACMG Guidelines, 2015. Collection method: clinical testing. Allele origin: germline.

CHEO Genetics Diagnostic Laboratory, Children's Hospital of Eastern Ontario
Classification: Uncertain significance for Cardiomyopathy. Last evaluated: 2019-11-28. Review status: criteria provided, single submitter. Criteria: ACMG Guidelines, 2015. Collection method: clinical testing. Allele origin: germline.